The following is an entry in ClinVar:

NM_003235.5(TG):c.665G>A (p.Ser222Asn)

Gene: TG (thyroglobulin; plus strand). Cytogenetic location: 8q24.22.
Variant type: single nucleotide variant.
Coding change: c.665G>A on transcript NM_003235.5 (MANE Select); coding-DNA position 665, G replaced by A.
Protein change: p.Ser222Asn; replaces serine 222 with asparagine.
Molecular consequence: missense variant.
Genome position (GRCh38, 1-based): chr8:132,881,889, G>A. VCF-style: chr8-132881889-G-A. GRCh37 (hg19) VCF-style: chr8-133894134-G-A.
Other names: short protein forms S222N.
Identifiers: ClinVar variation 1048930 (VCV001048930.1), dbSNP rs1814693797, ClinGen allele CA372226725.
Genomic context (GRCh38, chr8:132,881,889, plus strand): 5'-ATGAATGGTGACCGTAAATCTCATTCTCTCCAAGGTTTCCAGATGCATTTGTGACCTTCA[G>A]TTCCTTCCAGAGGAGGTTCCCTGAGGTATCTGGGTATTGCCACTGTGCTGACAGCCAAGG-3'
Protein context (NP_003226.4, residues 212-232): NRFPDAFVTF[Ser222Asn]SFQRRFPEVS

ClinVar aggregate classification (germline): Uncertain significance (0 of 4 stars; one submission).

Allele frequency attached by ClinVar (database versions not stated): gnomAD exomes below 0.00001.
gnomAD v4.1: 2 of 1,614,058 alleles (0.00012%); highest among the groups gnomAD compares: Non-Finnish European, 0.00017%; no homozygotes.

Submission:

Department of Pathology and Laboratory Medicine, Sinai Health System
Classification: Uncertain significance. Review status: no assertion criteria provided. Collection method: clinical testing. Allele origin: unknown. Affected: yes. Study: The Canadian Open Genetics Repository (COGR).
Comment: The TG p.Ser222Asn variant was not identified in the literature nor was it identified in dbSNP, ClinVar, LOVD 3.0 or in the following control databases: the 1000 Genomes Project, the NHLBI GO Exome Sequencing Project, the Exome Aggregation Consortium (August 8th 2016), or the Genome Aggregation Database (March 6, 2019, v2.1.1). The p.Ser222 residue is conserved in mammals and computational analyses (PolyPhen-2, SIFT, AlignGVGD, BLOSUM, MutationTaster) provide inconsistent predictions regarding the impact to the protein; this information is not very predictive of pathogenicity. The variant occurs outside of the splicing consensus sequence and 4 of 4 in silico or computational prediction software programs (SpliceSiteFinder, MaxEntScan, NNSPLICE, GeneSplicer) predict a greater than 10% difference in splicing. However, this information is not predictive enough to assume pathogenicity. In summary, based on the above information the clinical significance of this variant cannot be determined with certainty at this time. This variant is classified as a variant of uncertain significance.